The following is an entry in ClinVar:

ClinVar aggregate classification (germline): Conflicting classifications of pathogenicity. Review status: criteria provided, conflicting classifications (1 of 4 stars). 3 submissions from 3 submitters: Uncertain significance (1); Likely benign (2). Last evaluated 2025-08-06.

Conditions:
Familial thoracic aortic aneurysm and aortic dissection (TAAD). Also called: Thoracic aortic aneurysms and dissections. Identifiers: Orphanet 91387, MedGen C4707243, MONDO:0019625.
Heterotopia, periventricular, X-linked dominant (PVNH1). Also called: PERIVENTRICULAR NODULAR HETEROTOPIA 4; HETEROTOPIA, PERIVENTRICULAR, 1; PERIVENTRICULAR NODULAR HETEROTOPIA 1; X-linked periventricular heterotopia. Identifiers: Orphanet 2149, Orphanet 82004, MedGen C1848213, MONDO:0010233, OMIM 300049.
Oto-palato-digital syndrome, type II (OPD2). Also called: Otopalatodigital Syndrome, Type II; OPD II SYNDROME; Otopalatodigital Syndrome Type 2 (FLNA-OPD2); FACIOPALATOOSSEOUS SYNDROME. Identifiers: Orphanet 669, Orphanet 90652, MedGen C1844696, MONDO:0010571, OMIM 304120.
Melnick-Needles syndrome (MNS). Also called: MELNICK-NEEDLES OSTEODYSPLASTY; OSTEODYSPLASTY OF MELNICK AND NEEDLES; Melnick-Needles Syndrome (FLNA-MNS). Identifiers: Orphanet 2484, MedGen C0025237, MONDO:0010650, OMIM 309350.
Frontometaphyseal dysplasia (FMD1). Identifiers: Orphanet 1826, MedGen C0265293, MONDO:0015942.

Allele frequency attached by ClinVar (database versions not stated): gnomAD 0.00001; gnomAD exomes 0.00002 and 0.00008; TOPMed 0.00003; ExAC 0.00013.
gnomAD v4.1: 27 of 1,210,512 alleles (0.0022%); highest among the groups gnomAD compares: Admixed American, 0.015%; no homozygotes.

Submissions (3):

Labcorp Genetics (formerly Invitae), Labcorp
Classification: Likely benign for Oto-palato-digital syndrome, type II; Heterotopia, periventricular, X-linked dominant; Frontometaphyseal dysplasia; Melnick-Needles syndrome. Last evaluated: 2025-08-06. Review status: criteria provided, single submitter. Criteria: Invitae Variant Classification Sherloc (09022015). Collection method: clinical testing. Allele origin: germline.

GeneDx
Classification: Uncertain significance. Last evaluated: 2023-10-02. Review status: criteria provided, single submitter. Criteria: GeneDx Variant Classification Process June 2021. Collection method: clinical testing. Allele origin: germline. Affected: yes.
Comment: In silico analysis supports that this missense variant has a deleterious effect on protein structure/function; In silico analysis suggests this variant may impact gene splicing. In the absence of RNA/functional studies, the actual effect of this sequence change is unknown.; Has not been previously published as pathogenic or benign to our knowledge

Ambry Genetics
Classification: Likely benign for Familial thoracic aortic aneurysm and aortic dissection. Last evaluated: 2019-12-04. Review status: criteria provided, single submitter. Criteria: Ambry Variant Classification Scheme 2023. Collection method: clinical testing. Allele origin: germline.

NM_001110556.2(FLNA):c.6238C>T (p.Leu2080Phe)

Gene: FLNA (filamin A; minus strand). Cytogenetic location: Xq28.
Variant type: single nucleotide variant.
Coding change: c.6238C>T on transcript NM_001110556.2 (MANE Select); coding-DNA position 6238, C replaced by T.
Protein change: p.Leu2080Phe; replaces leucine 2080 with phenylalanine.
Molecular consequence: missense variant.
Genome position (GRCh38, 1-based): chrX:154,352,913, G>A on the plus strand (C>T on the coding strand, the complement: FLNA is on the minus strand). VCF-style: chrX-154352913-G-A. GRCh37 (hg19) VCF-style: chrX-153581281-G-A.
Other names: c.6214C>T, p.Leu2072Phe (NM_001456.4); short protein forms L2072F, L2080F.
Identifiers: ClinVar variation 697725 (VCV000697725.16), dbSNP rs782157246, ClinGen allele CA10560129.